The following is an entry in ClinVar:

NM_000428.3(LTBP2):c.2160C>T (p.Phe720=)

Gene: LTBP2 (latent transforming growth factor beta binding protein 2; minus strand). Cytogenetic location: 14q24.3.
Variant type: single nucleotide variant.
Coding change: c.2160C>T on transcript NM_000428.3 (MANE Select); coding-DNA position 2160, C replaced by T.
Protein change: p.Phe720=; no amino-acid change (phenylalanine 720 retained).
Molecular consequence: synonymous variant.
Genome position (GRCh38, 1-based): chr14:74,528,691, G>A on the plus strand (C>T on the coding strand, the complement: LTBP2 is on the minus strand). VCF-style: chr14-74528691-G-A. GRCh37 (hg19) VCF-style: chr14-74995394-G-A.
Identifiers: ClinVar variation 737783 (VCV000737783.15), dbSNP rs74758312, ClinGen allele CA7269624.
Genomic context (GRCh38, chr14:74,528,691, plus strand): 5'-GGACAGGCGGATGTCGGAGCTCGCGTAGGTGTAGCCGTGGCCGGCAGGGCAGATCTCTCT[G>A]AAGGCCTCTGCAAAGCCAACAGCCAGAGGACAAACTGAGAGGTGCTGTTCCTGCAGGAAA-3'
Protein context (NP_000419.1, residues 710-730): EKCPLPGTEA[Phe720=]REICPAGHGY

ClinVar aggregate classification (germline): Conflicting classifications of pathogenicity. Review status: criteria provided, conflicting classifications (1 of 4 stars). 5 submissions from 4 submitters: Uncertain significance (1); Benign (1); Likely benign (2). 1 of the submissions does not count toward it. Last evaluated 2026-02-01.

Conditions:
LTBP2-related disorder. Also called: LTBP2-related condition; LTBP2-related disorders.
Weill-Marchesani syndrome. Also called: WM Syndrome; Mesodermal dysmorphodystrophy congenital. Identifiers: Orphanet 3449, MedGen C0265313, MONDO:0018096.
Glaucoma 3, primary congenital, D. Identifiers: Orphanet 98976, MedGen C2751316, MONDO:0013122, OMIM 613086.

Allele frequency attached by ClinVar (database versions not stated): ESP Exome Variant Server 0.00008; gnomAD 0.00023 and 0.00040; TOPMed 0.00043; 1000 Genomes Project 30x 0.00250; 1000 Genomes Project 0.00280.
gnomAD v4.1: 437 of 1,611,916 alleles (0.027%); highest among the groups gnomAD compares: East Asian, 0.81%; 1 homozygote.

Submissions (5):

Labcorp Genetics (formerly Invitae), Labcorp
Classification: Benign. Last evaluated: 2026-02-01. Review status: criteria provided, single submitter. Criteria: Invitae Variant Classification Sherloc (09022015). Collection method: clinical testing. Allele origin: germline.

Blueprint Genetics
Classification: Likely benign. Last evaluated: 2024-10-22. Review status: criteria provided, single submitter. Criteria: ACMG Guidelines, 2015. Collection method: clinical testing. Allele origin: germline.

Illumina Laboratory Services, Illumina
Classification: Uncertain significance for Glaucoma 3, primary congenital, D. Last evaluated: 2018-01-13. Review status: criteria provided, single submitter. Criteria: ICSL Variant Classification Criteria 13 December 2019. Collection method: clinical testing. Allele origin: germline.

Illumina Laboratory Services, Illumina
Classification: Likely benign for Weill-Marchesani syndrome. Last evaluated: 2018-01-13. Review status: criteria provided, single submitter. Criteria: ICSL Variant Classification Criteria 13 December 2019. Collection method: clinical testing. Allele origin: germline.
Comment: This variant was observed in the ICSL laboratory as part of a predisposition screen in an ostensibly healthy population. It had not been previously curated by ICSL or reported in the Human Gene Mutation Database (HGMD: prior to June 1st, 2018), and was therefore a candidate for classification through an automated scoring system. Utilizing variant allele frequency, disease prevalence and penetrance estimates, and inheritance mode, an automated score was calculated to assess if this variant is too frequent to cause the disease. Based on the score and internal cut-off values, a variant classified as likely benign is not then subjected to further curation. The score for this variant resulted in a classification of likely benign for this disease.

PreventionGenetics, part of Exact Sciences
Classification: Benign for LTBP2-related condition. Last evaluated: 2019-07-01. Review status: no assertion criteria provided. Collection method: clinical testing. Allele origin: germline. Not counted in ClinVar's aggregate classification.
Comment: This variant is classified as benign based on ACMG/AMP sequence variant interpretation guidelines (Richards et al. 2015 PMID: 25741868, with internal and published modifications).